The following is an entry in ClinVar:

NM_000534.5(PMS1):c.329C>G (p.Thr110Arg)

Gene: PMS1 (PMS1 homolog 1, mismatch repair system component; plus strand). Cytogenetic location: 2q32.2.
Variant type: single nucleotide variant.
Coding change: c.329C>G on transcript NM_000534.5 (MANE Select); coding-DNA position 329, C replaced by G.
Protein change: p.Thr110Arg; replaces threonine 110 with arginine.
Molecular consequence: missense variant. On other transcripts: non-coding transcript variant (1), intron variant (2).
Genome position (GRCh38, 1-based): chr2:189,805,665, C>G. VCF-style: chr2-189805665-C-G. GRCh37 (hg19) VCF-style: chr2-190670391-C-G.
Other names: c.329C>G, p.Thr110Arg (NM_001128143.2, NM_001128144.2, NM_001321044.2 and 5 more transcripts); c.146C>G, p.Thr49Arg (NM_001321046.2); c.-111+9714C>G (NM_001289408.2); c.-110-12352C>G (NM_001289409.2); short protein forms T110R, T49R.
Identifiers: ClinVar variation 135043 (VCV000135043.1), dbSNP rs372752293, ClinGen allele CA161503.

ClinVar aggregate classification (germline): not provided (0 of 4 stars; one submission).

Allele frequency attached by ClinVar (database versions not stated): ExAC 0.00007; ESP Exome Variant Server 0.00008; gnomAD 0.00004; gnomAD exomes 0.00007; TOPMed 0.00008 and 0.00007.
gnomAD v4.1: 145 of 1,613,436 alleles (0.009%); highest among the groups gnomAD compares: Admixed American, 0.012%; no homozygotes.

Submission:

ITMI
No classification provided. Condition: AllHighlyPenetrant. Last evaluated: 2013-09-19. Review status: no classification provided. Collection method: reference population. Allele origin: germline.
Comment: Please see associated publication for description of ethnicities

Literature cited by the submitters: PubMed 24728327.